The following is an entry in ClinVar:

ClinVar aggregate classification (germline): Likely benign. Review status: criteria provided, single submitter (1 of 4 stars). 2 submissions from 2 submitters: Likely benign (1). 1 of the submissions does not count toward it. Last evaluated 2026-01-26.

Conditions:
DOCK6-related disorder. Also called: DOCK6-related condition.

Allele frequency attached by ClinVar (database versions not stated): gnomAD exomes 0.00005 and 0.00011; ExAC 0.00010; 1000 Genomes Project 30x 0.00016; 1000 Genomes Project 0.00020; ESP Exome Variant Server 0.00041; gnomAD 0.00051 and 0.00056; TOPMed 0.00052.
gnomAD v4.1: 160 of 1,602,858 alleles (0.01%); highest among the groups gnomAD compares: African/African-American, 0.18%; no homozygotes.

Submissions (2):

Labcorp Genetics (formerly Invitae), Labcorp
Classification: Likely benign. Last evaluated: 2026-01-26. Review status: criteria provided, single submitter. Criteria: Invitae Variant Classification Sherloc (09022015). Collection method: clinical testing. Allele origin: germline.

PreventionGenetics, part of Exact Sciences
Classification: Likely benign for DOCK6-related condition. Last evaluated: 2019-10-14. Review status: no assertion criteria provided. Collection method: clinical testing. Allele origin: germline. Not counted in ClinVar's aggregate classification.
Comment: This variant is classified as likely benign based on ACMG/AMP sequence variant interpretation guidelines (Richards et al. 2015 PMID: 25741868, with internal and published modifications).

NM_020812.4(DOCK6):c.3264C>T (p.Ala1088=)

Gene: DOCK6 (dedicator of cytokinesis 6; minus strand). Cytogenetic location: 19p13.2.
Variant type: single nucleotide variant.
Coding change: c.3264C>T on transcript NM_020812.4 (MANE Select); coding-DNA position 3264, C replaced by T.
Protein change: p.Ala1088=; no amino-acid change (alanine 1088 retained).
Molecular consequence: synonymous variant.
Genome position (GRCh38, 1-based): chr19:11,222,225, G>A on the plus strand (C>T on the coding strand, the complement: DOCK6 is on the minus strand). VCF-style: chr19-11222225-G-A. GRCh37 (hg19) VCF-style: chr19-11332901-G-A.
Other names: c.3369C>T, p.Ala1123= (NM_001367830.1).
Identifiers: ClinVar variation 734943 (VCV000734943.11), dbSNP rs370113731, ClinGen allele CA9207309.